The following is an entry in ClinVar:

NM_000059.4(BRCA2):c.4352A>T (p.Asp1451Val)

Gene: BRCA2 (BRCA2 DNA repair associated; plus strand). Cytogenetic location: 13q13.1.
Variant type: single nucleotide variant.
Coding change: c.4352A>T on transcript NM_000059.4 (MANE Select); coding-DNA position 4352, A replaced by T.
Protein change: p.Asp1451Val; replaces aspartic acid 1451 with valine.
Molecular consequence: missense variant.
Genome position (GRCh38, 1-based): chr13:32,338,707, A>T. VCF-style: chr13-32338707-A-T. GRCh37 (hg19) VCF-style: chr13-32912844-A-T.
Other names: short protein forms D1451V.
Identifiers: ClinVar variation 1486027 (VCV001486027.7), dbSNP rs80358671, ClinGen allele CA387780934.
Genomic context (GRCh38, chr13:32,338,707, plus strand): 5'-CAAGTGGGAAAAATATTAGTGTCGCCAAAGAGTCATTTAATAAAATTGTAAATTTCTTTG[A>T]TCAGAAACCAGAAGAATTGCATAACTTTTCCTTAAATTCTGAATTACATTCTGACATAAG-3'
Protein context (NP_000050.3, residues 1441-1461): ESFNKIVNFF[Asp1451Val]QKPEELHNFS

ClinVar aggregate classification (germline): Conflicting classifications of pathogenicity. Review status: criteria provided, conflicting classifications (1 of 4 stars). 2 submissions from 2 submitters: Uncertain significance (1); Likely benign (1). Last evaluated 2023-03-23.

Conditions:
Hereditary cancer-predisposing syndrome. Also called: Hereditary neoplastic syndrome; Neoplastic Syndromes, Hereditary; Hereditary Cancer Syndrome; Tumor predisposition. Identifiers: Orphanet 140162, MedGen C0027672, MeSH D009386, MONDO:0015356.
Hereditary breast ovarian cancer syndrome. Also called: Hereditary breast and/or ovarian cancer syndrome; Hereditary breast and ovarian cancer syndrome (HBOC); Breast and ovarian cancer; Hereditary breast and ovarian cancer; Hereditary breast and ovarian cancer syndrome; BRCA1- and BRCA2-Associated Hereditary Breast and Ovarian Cancer. Identifiers: Orphanet 145, MedGen C0677776, MeSH D061325, MONDO:0003582. Disease mechanism: loss of function.

Submissions (2):

University of Washington Department of Laboratory Medicine, University of Washington
Classification: Likely benign for Hereditary cancer-predisposing syndrome. Last evaluated: 2023-03-23. Review status: criteria provided, single submitter. Criteria: Dines et al. (Genet Med. 2020). Collection method: curation. Allele origin: germline.
Comment: Missense variant in a coldspot region where missense variants are very unlikely to be pathogenic (PMID:31911673).

BRCA2 exon 11 coldspot. Reclassification based on statistical prior probability.

Labcorp Genetics (formerly Invitae), Labcorp
Classification: Uncertain significance for Hereditary breast ovarian cancer syndrome. Last evaluated: 2021-11-30. Review status: criteria provided, single submitter. Criteria: Invitae Variant Classification Sherloc (09022015). Collection method: clinical testing. Allele origin: germline.
Comment: This variant is not present in population databases (gnomAD no frequency). This variant has not been reported in the literature in individuals affected with BRCA2-related conditions. Advanced modeling of protein sequence and biophysical properties (such as structural, functional, and spatial information, amino acid conservation, physicochemical variation, residue mobility, and thermodynamic stability) performed at Invitae indicates that this missense variant is not expected to disrupt BRCA2 protein function. In summary, the available evidence is currently insufficient to determine the role of this variant in disease. Therefore, it has been classified as a Variant of Uncertain Significance. This sequence change replaces aspartic acid, which is acidic and polar, with valine, which is neutral and non-polar, at codon 1451 of the BRCA2 protein (p.Asp1451Val).